The following is an entry in ClinVar:

ClinVar aggregate classification (germline): Uncertain significance (1 of 4 stars; one submission).

Allele frequency attached by ClinVar (database versions not stated): gnomAD exomes below 0.00001; ExAC 0.00001; gnomAD 0.00001; TOPMed 0.00001.
gnomAD v4.1: 4 of 1,613,946 alleles (0.00025%); highest among the groups gnomAD compares: Admixed American, 0.0017%; no homozygotes.

Submission:

Labcorp Genetics (formerly Invitae), Labcorp
Classification: Uncertain significance. Last evaluated: 2023-12-08. Review status: criteria provided, single submitter. Criteria: Invitae Variant Classification Sherloc (09022015). Collection method: clinical testing. Allele origin: germline.
Comment: This sequence change replaces phenylalanine, which is neutral and non-polar, with serine, which is neutral and polar, at codon 1288 of the KDM2B protein (p.Phe1288Ser). This variant is present in population databases (rs782287592, gnomAD 0.006%). This variant has not been reported in the literature in individuals affected with KDM2B-related conditions. An algorithm developed to predict the effect of missense changes on protein structure and function (PolyPhen-2) suggests that this variant is likely to be tolerated. In summary, the available evidence is currently insufficient to determine the role of this variant in disease. Therefore, it has been classified as a Variant of Uncertain Significance.

NM_032590.5(KDM2B):c.3863T>C (p.Phe1288Ser)

Gene: KDM2B (lysine demethylase 2B; minus strand). Cytogenetic location: 12q24.31.
Variant type: single nucleotide variant.
Coding change: c.3863T>C on transcript NM_032590.5 (MANE Select); coding-DNA position 3863, T replaced by C.
Protein change: p.Phe1288Ser; replaces phenylalanine 1288 with serine.
Molecular consequence: missense variant.
Genome position (GRCh38, 1-based): chr12:121,430,436, A>G on the plus strand (T>C on the coding strand, the complement: KDM2B is on the minus strand). VCF-style: chr12-121430436-A-G. GRCh37 (hg19) VCF-style: chr12-121868239-A-G.
Other names: c.3656T>C, p.Phe1219Ser (NM_001005366.2); short protein forms F1219S, F1288S.
Identifiers: ClinVar variation 2885855 (VCV002885855.3), dbSNP rs782287592, ClinGen allele CA6836082.